The following is an entry in ClinVar:

ClinVar aggregate classification (germline): Uncertain significance (1 of 4 stars; one submission).

Conditions:
Epileptic encephalopathy. Identifiers: MedGen C0543888, HP:0200134.

Allele frequency attached by ClinVar (database versions not stated): gnomAD exomes below 0.00001.
gnomAD v4.1: 2 of 1,609,246 alleles (0.00012%); highest among the groups gnomAD compares: Non-Finnish European, 0.00017%; no homozygotes.

Submission:

Labcorp Genetics (formerly Invitae), Labcorp
Classification: Uncertain significance for Epileptic encephalopathy. Last evaluated: 2021-05-03. Review status: criteria provided, single submitter. Criteria: Invitae Variant Classification Sherloc (09022015). Collection method: clinical testing. Allele origin: germline.
Comment: This sequence change replaces phenylalanine with leucine at codon 1603 of the FASN protein (p.Phe1603Leu). The phenylalanine residue is highly conserved and there is a small physicochemical difference between phenylalanine and leucine. In summary, the available evidence is currently insufficient to determine the role of this variant in disease. Therefore, it has been classified as a Variant of Uncertain Significance. Algorithms developed to predict the effect of missense changes on protein structure and function are either unavailable or do not agree on the potential impact of this missense change (SIFT: "Deleterious"; PolyPhen-2: "Probably Damaging"; Align-GVGD: "Class C0"). This variant has not been reported in the literature in individuals with FASN-related conditions. This variant is not present in population databases (ExAC no frequency).

NM_004104.5(FASN):c.4809C>A (p.Phe1603Leu)

Gene: FASN (fatty acid synthase; minus strand). Cytogenetic location: 17q25.3.
Variant type: single nucleotide variant.
Coding change: c.4809C>A on transcript NM_004104.5 (MANE Select); coding-DNA position 4809, C replaced by A.
Protein change: p.Phe1603Leu; replaces phenylalanine 1603 with leucine.
Molecular consequence: missense variant.
Genome position (GRCh38, 1-based): chr17:82,084,344, G>T on the plus strand (C>A on the coding strand, the complement: FASN is on the minus strand). VCF-style: chr17-82084344-G-T. GRCh37 (hg19) VCF-style: chr17-80042220-G-T.
Other names: short protein forms F1603L.
Identifiers: ClinVar variation 1495450 (VCV001495450.8), dbSNP rs2144787631, ClinGen allele CA401543808.
Genomic context (GRCh38, chr17:82,084,344, plus strand): 5'-GGCCAGGCCCTTGGCAGGCACCAGTCCCATCACACGCTTGCCGCTGGCGTCTCGGCCCGA[G>T]AACTCCATACCTAGCAGGCTGTCCTGGGAGGTCCACTTCCCTGGGGGAGACGGCACTGAG-3'
Protein context (NP_004095.4, residues 1593-1613): TSQDSLLGME[Phe1603Leu]SGRDASGKRV